The following is an entry in ClinVar:

NM_000112.4(SLC26A2):c.651del (p.Cys216_Tyr217insTer)

Gene: SLC26A2 (solute carrier family 26 member 2; plus strand). Cytogenetic location: 5q32.
Variant type: Deletion.
Coding change: c.651del on transcript NM_000112.4 (MANE Select); coding-DNA position 651, one base deleted (T; older notation c.651delT).
Protein change: p.Cys216_Tyr217insTer.
Molecular consequence: nonsense. On other transcripts: frameshift variant (1).
Genome position (GRCh38, 1-based): chr5:149,978,303, T deleted. VCF-style (leftmost placement, unchanged base first): chr5-149978302-AT-A. GRCh37 (hg19) VCF-style: chr5-149357865-AT-A.
Other names: c.651delT, p.Tyr217Terfs (NM_000112.3).
Identifiers: ClinVar variation 4817467 (VCV004817467.1).

ClinVar aggregate classification (germline): Likely pathogenic (1 of 4 stars; one submission).

Conditions:
Achondrogenesis, type IB (ACG1B). Also called: Achondrogenesis Type 1B. Identifiers: Orphanet 932, Orphanet 93298, MedGen C0265274, MONDO:0010966, OMIM 600972.

Submission:

Natera, Inc.
Classification: Likely pathogenic for Achondrogenesis type IB. Last evaluated: 2024-09-30. Review status: criteria provided, single submitter. Criteria: Natera Variant Classification Schema (03/2026). Collection method: clinical testing. Allele origin: germline.
Comment: The c.651del variant in SLC26A2 is a frameshift variant predicted to shift the reading frame and introduce a stop codon. This variant is expected to result in nonsense mediated decay, truncation, or a dysfunctional protein product. This variant is rare in the general population with a frequency below the threshold expected for the associated phenotype(s). Given the available evidence, this variant is classified as Likely Pathogenic.